The following is an entry in ClinVar:

ClinVar aggregate classification (germline): Uncertain significance (1 of 4 stars; one submission).

Submission:

Labcorp Genetics (formerly Invitae), Labcorp
Classification: Uncertain significance. Last evaluated: 2023-03-07. Review status: criteria provided, single submitter. Criteria: Invitae Variant Classification Sherloc (09022015). Collection method: clinical testing. Allele origin: germline.
Comment: This sequence change replaces serine, which is neutral and polar, with alanine, which is neutral and non-polar, at codon 75 of the SBF1 protein (p.Ser75Ala). This variant is not present in population databases (gnomAD no frequency). This variant has not been reported in the literature in individuals affected with SBF1-related conditions. Advanced modeling of protein sequence and biophysical properties (such as structural, functional, and spatial information, amino acid conservation, physicochemical variation, residue mobility, and thermodynamic stability) performed at Invitae indicates that this missense variant is not expected to disrupt SBF1 protein function. In summary, the available evidence is currently insufficient to determine the role of this variant in disease. Therefore, it has been classified as a Variant of Uncertain Significance.

NM_002972.4(SBF1):c.223T>G (p.Ser75Ala)

Gene: SBF1 (SET binding factor 1; minus strand). Cytogenetic location: 22q13.33.
Variant type: single nucleotide variant.
Coding change: c.223T>G on transcript NM_002972.4 (MANE Select); coding-DNA position 223, T replaced by G.
Protein change: p.Ser75Ala; replaces serine 75 with alanine.
Molecular consequence: missense variant.
Genome position (GRCh38, 1-based): chr22:50,467,842, A>C on the plus strand (T>G on the coding strand, the complement: SBF1 is on the minus strand). VCF-style: chr22-50467842-A-C. GRCh37 (hg19) VCF-style: chr22-50906271-A-C.
Other names: c.223T>G, p.Ser75Ala (NM_001365819.1, NM_001410794.1, NM_001410795.1 and 1 more transcripts); short protein forms S75A.
Identifiers: ClinVar variation 2843469 (VCV002843469.3), dbSNP rs2522043358, ClinGen allele CA412224203.
Genomic context (GRCh38, chr22:50,467,842, plus strand): 5'-TGACCTGTGAAGGCTCCGCTGGCTCCCAGAAGGTCAAGCAGGCGCAGTAGTGGCGCTCGG[A>C]GTTGATGTCGGTGAGGACAGCAACAAAGAAGGTCGGTGGATTCCTCTCGGGACACAGCTG-3'
Protein context (NP_002963.2, residues 65-85): FFVAVLTDIN[Ser75Ala]ERHYCACLTF